The following is an entry in ClinVar:

NM_003482.4(KMT2D):c.6707_6708dup (p.Gln2237fs)

Gene: KMT2D (lysine methyltransferase 2D; minus strand). Cytogenetic location: 12q13.12.
Variant type: Microsatellite.
Coding change: c.6707_6708dup on transcript NM_003482.4 (MANE Select); coding-DNA positions 6707 to 6708, 2 bases duplicated (AC; older notation c.6707_6708dupAC).
Protein change: p.Gln2237fs; shifts the reading frame from glutamine 2237.
Molecular consequence: frameshift variant.
Genome position (GRCh38, 1-based): chr12:49,041,062-49,041,063, GT duplicated on the plus strand (AC on the coding strand, the reverse complement: KMT2D is on the minus strand); duplicating any 2 consecutive bases within chr12:49,041,062-49,041,065 gives the same sequence; the c. name uses the placement nearest the transcript's 3' end. VCF-style (leftmost placement, unchanged base first): chr12-49041061-G-GGT. GRCh37 (hg19) VCF-style: chr12-49434844-G-GGT.
Other names: c.6707_6708dupAC (NM_003482.3); short protein forms Q2237fs.
Identifiers: ClinVar variation 644536 (VCV000644536.6), dbSNP rs1592136884, ClinGen allele CA915948402.
Genomic context (GRCh38, chr12:49,041,061, plus strand): 5'-CAGCCAAGTTATCCAGCGAGGGGCAGCGGGGTTTGAGGAATGGGTCAGGTGTGGAGGGCT[G>GGT]GTGTCTGGGGGTGCCAGGTGGGGTAGTGTGGAATTCCCCTGGCTGGCCAGCCCCAGGACG-3'

ClinVar aggregate classification (germline): Pathogenic (1 of 4 stars; one submission).

Conditions:
Kabuki syndrome. Also called: NIIKAWA-KUROKI SYNDROME; Kabuki make-up syndrome. Identifiers: Orphanet 2322, MedGen C0796004, MONDO:0016512.

Submission:

Labcorp Genetics (formerly Invitae), Labcorp
Classification: Pathogenic for Kabuki syndrome. Last evaluated: 2018-10-06. Review status: criteria provided, single submitter. Criteria: Invitae Variant Classification Sherloc (09022015). Collection method: clinical testing. Allele origin: germline.
Comment: For these reasons, this variant has been classified as Pathogenic. Loss-of-function variants in KMT2D are known to be pathogenic (PMID: 22126750). This variant has not been reported in the literature in individuals with KMT2D-related disease. This variant is not present in population databases (ExAC no frequency). This sequence change creates a premature translational stop signal (p.Gln2237Thrfs*28) in the KMT2D gene. It is expected to result in an absent or disrupted protein product.

Literature cited by the submitters: PubMed 22126750.